The following is an entry in ClinVar:

ClinVar aggregate classification (germline): Uncertain significance (1 of 4 stars; one submission).

Conditions:
Hypertrophic cardiomyopathy 10. Also called: CARDIOMYOPATHY, HYPERTROPHIC, MID-LEFT VENTRICULAR CHAMBER TYPE, 2; MYL2-Related Familial Hypertrophic Cardiomyopathy. Identifiers: MedGen C1834460, MONDO:0012112, OMIM 608758.

Allele frequency attached by ClinVar (database versions not stated): gnomAD exomes below 0.00001.
gnomAD v4.1: 1 of 1,613,908 alleles (0.000062%); highest among the groups gnomAD compares: Admixed American, 0.0017%; no homozygotes.

Submission:

Labcorp Genetics (formerly Invitae), Labcorp
Classification: Uncertain significance for Hypertrophic cardiomyopathy 10. Last evaluated: 2022-06-03. Review status: criteria provided, single submitter. Criteria: Invitae Variant Classification Sherloc (09022015). Collection method: clinical testing. Allele origin: germline.
Comment: Algorithms developed to predict the effect of missense changes on protein structure and function are either unavailable or do not agree on the potential impact of this missense change (SIFT: "Tolerated"; PolyPhen-2: "Probably Damaging"; Align-GVGD: "Class C0"). This variant has not been reported in the literature in individuals affected with MYL2-related conditions. This variant is present in population databases (no rsID available, gnomAD 0.003%). This sequence change replaces lysine, which is basic and polar, with glutamic acid, which is acidic and polar, at codon 165 of the MYL2 protein (p.Lys165Glu). In summary, the available evidence is currently insufficient to determine the role of this variant in disease. Therefore, it has been classified as a Variant of Uncertain Significance.

NM_000432.4(MYL2):c.493A>G (p.Lys165Glu)

Gene: MYL2 (myosin light chain 2; minus strand). Cytogenetic location: 12q24.11.
Variant type: single nucleotide variant.
Coding change: c.493A>G on transcript NM_000432.4 (MANE Select); coding-DNA position 493, A replaced by G.
Protein change: p.Lys165Glu; replaces lysine 165 with glutamic acid.
Molecular consequence: missense variant.
Genome position (GRCh38, 1-based): chr12:110,911,085, T>C on the plus strand (A>G on the coding strand, the complement: MYL2 is on the minus strand). VCF-style: chr12-110911085-T-C. GRCh37 (hg19) VCF-style: chr12-111348889-T-C.
Other names: c.451A>G, p.Lys151Glu (NM_001406745.1, NM_001406746.1); c.436A>G, p.Lys146Glu (NM_001406916.1); short protein forms K151E, K165E, K146E.
Identifiers: ClinVar variation 2002303 (VCV002002303.4), dbSNP rs1468608115, ClinGen allele CA386696697.